The following is an entry in ClinVar:

ClinVar aggregate classification (germline): Uncertain significance (1 of 4 stars; one submission).

Conditions:
Duchenne muscular dystrophy (DMD). Also called: Duchenne Muscular Dystrophy (DMD); MUSCULAR DYSTROPHY, PSEUDOHYPERTROPHIC PROGRESSIVE, DUCHENNE TYPE. Identifiers: Orphanet 98896, MedGen C0013264, MONDO:0010679, OMIM 310200.

Submission:

Labcorp Genetics (formerly Invitae), Labcorp
Classification: Uncertain significance for Duchenne muscular dystrophy. Last evaluated: 2021-10-09. Review status: criteria provided, single submitter. Criteria: Invitae Variant Classification Sherloc (09022015). Collection method: clinical testing. Allele origin: germline.
Comment: This variant is a gross deletion of the genomic region encompassing exon(s) 71 of the DMD gene. This variant would be expected to be in-frame, preserving the integrity of the reading frame. This variant has not been reported in the literature in individuals affected with DMD-related conditions. Experimental studies and prediction algorithms are not available or were not evaluated, and the functional significance of this variant is currently unknown. This variant disrupts a region of the DMD protein in which other variant(s) (p.Ala3421Val) have been observed in individuals with DMD-related conditions (PMID: 8281150). This suggests that this is a clinically significant region of the protein, and that variants that disrupt it are likely to be disease-causing. In summary, the available evidence is currently insufficient to determine the role of this variant in disease. Therefore, it has been classified as a Variant of Uncertain Significance.

Literature cited by the submitters: PubMed 8281150.

NC_000023.10:g.(?_31196039)_(31196097_?)del

Gene: DMD (dystrophin; minus strand). Cytogenetic location: Xp21.2.
Variant type: Deletion.
Identifiers: ClinVar variation 2424818 (VCV002424818.2).